The following is an entry in ClinVar:

NM_206933.4(USH2A):c.358G>A (p.Ala120Thr)

Gene: USH2A (usherin; minus strand). Cytogenetic location: 1q41.
Variant type: single nucleotide variant.
Coding change: c.358G>A on transcript NM_206933.4 (MANE Select); coding-DNA position 358, G replaced by A.
Protein change: p.Ala120Thr; replaces alanine 120 with threonine.
Molecular consequence: missense variant.
Genome position (GRCh38, 1-based): chr1:216,421,979, C>T on the plus strand (G>A on the coding strand, the complement: USH2A is on the minus strand). VCF-style: chr1-216421979-C-T. GRCh37 (hg19) VCF-style: chr1-216595321-C-T.
Other names: c.358G>A, p.Ala120Thr (NM_007123.6); short protein forms A120T.
Identifiers: ClinVar variation 1495784 (VCV001495784.5), dbSNP rs1017927571, ClinGen allele CA37922142.

ClinVar aggregate classification (germline): Uncertain significance. Review status: criteria provided, multiple submitters, no conflicts (2 of 4 stars). 2 submissions from 2 submitters: Uncertain significance (2). Last evaluated 2025-10-29.

Allele frequency attached by ClinVar (database versions not stated): TOPMed below 0.00001; gnomAD 0.00001; gnomAD exomes 0.00001.
gnomAD v4.1: 10 of 1,613,764 alleles (0.00062%); highest among the groups gnomAD compares: Admixed American, 0.0033%; no homozygotes.

Submissions (2):

Labcorp Genetics (formerly Invitae), Labcorp
Classification: Uncertain significance. Last evaluated: 2025-10-29. Review status: criteria provided, single submitter. Criteria: Invitae Variant Classification Sherloc (09022015). Collection method: clinical testing. Allele origin: germline.
Comment: This sequence change replaces alanine, which is neutral and non-polar, with threonine, which is neutral and polar, at codon 120 of the USH2A protein (p.Ala120Thr). This variant is present in population databases (no rsID available, gnomAD 0.003%). This variant has not been reported in the literature in individuals affected with USH2A-related conditions. ClinVar contains an entry for this variant (Variation ID: 1495784). Invitae Evidence Modeling of protein sequence and biophysical properties (such as structural, functional, and spatial information, amino acid conservation, physicochemical variation, residue mobility, and thermodynamic stability) indicates that this missense variant is not expected to disrupt USH2A protein function with a negative predictive value of 95%. In summary, the available evidence is currently insufficient to determine the role of this variant in disease. Therefore, it has been classified as a Variant of Uncertain Significance.

Blueprint Genetics
Classification: Uncertain significance. Last evaluated: 2022-03-02. Review status: criteria provided, single submitter. Criteria: ACMG Guidelines, 2015. Collection method: clinical testing. Allele origin: germline.